The following is an entry in ClinVar:

ClinVar aggregate classification (germline): Uncertain significance (1 of 4 stars; one submission).

Conditions:
Progressive microcephaly-seizures-cortical blindness-developmental delay syndrome. Also called: Seizures, cortical blindness, and microcephaly syndrome. Identifiers: Orphanet 477814, MedGen C5567650, MONDO:0014714, OMIM 616632.
Autosomal dominant nonsyndromic hearing loss 1. Also called: DEAFNESS, AUTOSOMAL DOMINANT 1, WITH OR WITHOUT THROMBOCYTOPENIA; KONIGSMARK SYNDROME. Identifiers: Orphanet 90635, MedGen C1852282, MONDO:0007424, OMIM 124900.

Submission:

Labcorp Genetics (formerly Invitae), Labcorp
Classification: Uncertain significance for Progressive microcephaly-seizures-cortical blindness-developmental delay syndrome; Autosomal dominant nonsyndromic hearing loss 1. Last evaluated: 2024-04-18. Review status: criteria provided, single submitter. Criteria: Invitae Variant Classification Sherloc (09022015). Collection method: clinical testing. Allele origin: germline.
Comment: This sequence change replaces aspartic acid, which is acidic and polar, with valine, which is neutral and non-polar, at codon 1068 of the DIAPH1 protein (p.Asp1068Val). This variant is not present in population databases (gnomAD no frequency). This variant has not been reported in the literature in individuals affected with DIAPH1-related conditions. ClinVar contains an entry for this variant (Variation ID: 2128134). An algorithm developed to predict the effect of missense changes on protein structure and function (PolyPhen-2) suggests that this variant is likely to be disruptive. In summary, the available evidence is currently insufficient to determine the role of this variant in disease. Therefore, it has been classified as a Variant of Uncertain Significance.

NM_005219.5(DIAPH1):c.3203A>T (p.Asp1068Val)

Gene: DIAPH1 (diaphanous related formin 1; minus strand). Cytogenetic location: 5q31.3.
Variant type: single nucleotide variant.
Coding change: c.3203A>T on transcript NM_005219.5 (MANE Select); coding-DNA position 3203, A replaced by T.
Protein change: p.Asp1068Val; replaces aspartic acid 1068 with valine.
Molecular consequence: missense variant.
Genome position (GRCh38, 1-based): chr5:141,527,643, T>A on the plus strand (A>T on the coding strand, the complement: DIAPH1 is on the minus strand). VCF-style: chr5-141527643-T-A. GRCh37 (hg19) VCF-style: chr5-140907210-T-A.
Other names: c.3176A>T, p.Asp1059Val (NM_001079812.3); c.3203A>T, p.Asp1068Val (NM_001314007.2); short protein forms D1059V, D1068V.
Identifiers: ClinVar variation 2128134 (VCV002128134.4), dbSNP rs2513621765, ClinGen allele CA361581379.